The following is an entry in ClinVar:

NM_006059.3(LAMC3):c.-47C>G

Gene: LAMC3 (laminin subunit gamma 3; plus strand). Cytogenetic location: 9q34.12.
Variant type: single nucleotide variant.
Coding change: c.-47C>G on transcript NM_006059.3; 47 bases upstream of the start codon, C replaced by G.
Genome position (GRCh38, 1-based): chr9:131,009,168, C>G. VCF-style: chr9-131009168-C-G. GRCh37 (hg19) VCF-style: chr9-133884555-C-G.
Identifiers: ClinVar variation 390044 (VCV000390044.3), dbSNP rs540983125, ClinGen allele CA16605629.

ClinVar aggregate classification (germline): Likely benign (1 of 4 stars; one submission).

Allele frequency attached by ClinVar (database versions not stated): 1000 Genomes Project 30x 0.00031; TOPMed 0.00005; gnomAD 0.00006 and 0.00005; 1000 Genomes Project 0.00020; gnomAD exomes 0.00023.

Submission:

GeneDx
Classification: Likely benign. Last evaluated: 2016-10-17. Review status: criteria provided, single submitter. Criteria: GeneDx Variant Classification (06012015). Collection method: clinical testing. Allele origin: germline. Affected: yes.
Comment: This variant is considered likely benign or benign based on one or more of the following criteria: it is a conservative change, it occurs at a poorly conserved position in the protein, it is predicted to be benign by multiple in silico algorithms, and/or has population frequency not consistent with disease.